The following is an entry in ClinVar:

NM_006420.3(ARFGEF2):c.*2C>G

Gene: ARFGEF2 (ARF guanine nucleotide exchange factor 2; plus strand). Cytogenetic location: 20q13.13.
Variant type: single nucleotide variant.
Coding change: c.*2C>G on transcript NM_006420.3 (MANE Select); 2 bases downstream of the stop codon, C replaced by G.
Molecular consequence: 3 prime UTR variant.
Genome position (GRCh38, 1-based): chr20:49,033,201, C>G. VCF-style: chr20-49033201-C-G. GRCh37 (hg19) VCF-style: chr20-47649738-C-G.
Other names: c.*2C>G (NM_001410846.1).
Identifiers: ClinVar variation 3048746 (VCV003048746.2), dbSNP rs767631723, ClinGen allele CA9899455.

ClinVar aggregate classification (germline): Likely benign (0 of 4 stars; one submission).

Conditions:
ARFGEF2-related disorder. Also called: ARFGEF2-related condition.

Allele frequency attached by ClinVar (database versions not stated): ExAC 0.00001; TOPMed 0.00002; gnomAD 0.00005; gnomAD exomes 0.00005.
gnomAD v4.1: 87 of 1,614,038 alleles (0.0054%); highest among the groups gnomAD compares: Non-Finnish European, 0.007%; no homozygotes.

Submission:

PreventionGenetics, part of Exact Sciences
Classification: Likely benign for ARFGEF2-related condition. Last evaluated: 2019-04-10. Review status: no assertion criteria provided. Collection method: clinical testing. Allele origin: germline.
Comment: This variant is classified as likely benign based on ACMG/AMP sequence variant interpretation guidelines (Richards et al. 2015 PMID: 25741868, with internal and published modifications).